The following is an entry in ClinVar:

NM_172362.3(KCNH1):c.1179G>T (p.Met393Ile)

Gene: KCNH1 (potassium voltage-gated channel subfamily H member 1; minus strand). Cytogenetic location: 1q32.2.
Variant type: single nucleotide variant.
Coding change: c.1179G>T on transcript NM_172362.3 (MANE Select); coding-DNA position 1179, G replaced by T.
Protein change: p.Met393Ile; replaces methionine 393 with isoleucine.
Molecular consequence: missense variant.
Genome position (GRCh38, 1-based): chr1:210,919,923, C>A on the plus strand (G>T on the coding strand, the complement: KCNH1 is on the minus strand). VCF-style: chr1-210919923-C-A. GRCh37 (hg19) VCF-style: chr1-211093265-C-A.
Other names: c.1098G>T, p.Met366Ile (NM_002238.4); short protein forms M366I, M393I.
Identifiers: ClinVar variation 3633734 (VCV003633734.2).

ClinVar aggregate classification (germline): Uncertain significance (1 of 4 stars; one submission).

Submission:

Labcorp Genetics (formerly Invitae), Labcorp
Classification: Uncertain significance. Last evaluated: 2024-06-09. Review status: criteria provided, single submitter. Criteria: Invitae Variant Classification Sherloc (09022015). Collection method: clinical testing. Allele origin: germline.
Comment: This sequence change replaces methionine, which is neutral and non-polar, with isoleucine, which is neutral and non-polar, at codon 393 of the KCNH1 protein (p.Met393Ile). This variant is not present in population databases (gnomAD no frequency). This variant has not been reported in the literature in individuals affected with KCNH1-related conditions. Advanced modeling of protein sequence and biophysical properties (such as structural, functional, and spatial information, amino acid conservation, physicochemical variation, residue mobility, and thermodynamic stability) performed at Invitae indicates that this missense variant is expected to disrupt KCNH1 protein function with a positive predictive value of 80%. In summary, the available evidence is currently insufficient to determine the role of this variant in disease. Therefore, it has been classified as a Variant of Uncertain Significance.